The following is an entry in ClinVar:

NM_000297.4(PKD2):c.671del (p.Leu224fs)

Gene: PKD2 (polycystin 2, transient receptor potential cation channel; plus strand). Cytogenetic location: 4q22.1.
Variant type: Deletion.
Coding change: c.671del on transcript NM_000297.4 (MANE Select); coding-DNA position 671, one base deleted (T; older notation c.671delT).
Protein change: p.Leu224fs; shifts the reading frame from leucine 224.
Molecular consequence: frameshift variant. On other transcripts: non-coding transcript variant (1).
Genome position (GRCh38, 1-based): chr4:88,019,533, T deleted. VCF-style (leftmost placement, unchanged base first): chr4-88019532-CT-C. GRCh37 (hg19) VCF-style: chr4-88940684-CT-C.
Other names: c.671del, p.Leu224fs (NM_001440544.1); short protein forms L224fs.
Identifiers: ClinVar variation 4845335 (VCV004845335.2).

ClinVar aggregate classification (germline): Pathogenic (1 of 4 stars; one submission).

Conditions:
Polycystic kidney disease 2 (PKD2). Also called: Polycystic Kidney Disease 2, Autosomal Dominant; POLYCYSTIC KIDNEY DISEASE 2 WITH OR WITHOUT POLYCYSTIC LIVER DISEASE; POLYCYSTIC KIDNEY DISEASE, ADULT, TYPE II. Identifiers: MedGen C2751306, MONDO:0013131, OMIM 613095.

Submission:

Victorian Clinical Genetics Services, Murdoch Childrens Research Institute
Classification: Pathogenic for Polycystic kidney disease 2. Last evaluated: 2026-02-26. Review status: criteria provided, single submitter. Criteria: ACMG Guidelines, 2015. Collection method: clinical testing. Allele origin: germline. Affected: yes.
Comment: This variant is classified as Pathogenic. Evidence in support of pathogenic classification: Variant is predicted to cause nonsense-mediated decay (NMD) and loss of protein (premature termination codon is located at least 54 nucleotides upstream of the final exon-exon junction); Variant is absent from gnomAD (v2, v3 and v4); Other NMD-predicted variant(s) comparable to the one identified in this case have very strong previous evidence for pathogenicity (ClinVar). Additional information: This variant is heterozygous; This gene is associated with autosomal dominant disease; This variant has no previous evidence of pathogenicity; No published evidence of segregation with disease has been identified for this variant; No published functional evidence has been identified for this variant; Loss of function is a known mechanism of disease in this gene and is associated with polycystic kidney disease 2 (MIM#613095); Inheritance information for this variant is not currently available in this individual.